The following is an entry in ClinVar:

ClinVar aggregate classification (germline): Uncertain significance (1 of 4 stars; one submission).

gnomAD v4.1: 2 of 1,611,980 alleles (0.00012%); highest among the groups gnomAD compares: African/African-American, 0.0027%; no homozygotes.

Submission:

Ambry Genetics
Classification: Uncertain significance. Last evaluated: 2026-04-24. Review status: criteria provided, single submitter. Criteria: Ambry Variant Classification Scheme 2023. Collection method: clinical testing. Allele origin: germline.
Comment: The p.L253P variant (also known as c.758T>C), located in coding exon 6 of the GEN1 gene, results from a T to C substitution at nucleotide position 758. The leucine at codon 253 is replaced by proline, an amino acid with similar properties. This amino acid position is conserved. In addition, this alteration is predicted to be tolerated by in silico analysis. Based on the available evidence, the clinical significance of this variant remains unclear.

NM_001130009.3(GEN1):c.758T>C (p.Leu253Pro)

Gene: GEN1 (GEN1 structure-specific endonuclease; plus strand). Cytogenetic location: 2p24.2.
Variant type: single nucleotide variant.
Coding change: c.758T>C on transcript NM_001130009.3 (MANE Select); coding-DNA position 758, T replaced by C.
Protein change: p.Leu253Pro; replaces leucine 253 with proline.
Molecular consequence: missense variant.
Genome position (GRCh38, 1-based): chr2:17,771,243, T>C. VCF-style: chr2-17771243-T-C. GRCh37 (hg19) VCF-style: chr2-17952510-T-C.
Other names: c.758T>C, p.Leu253Pro (NM_182625.5); short protein forms L253P.
Identifiers: ClinVar variation 4857963 (VCV004857963.1).